The following is an entry in ClinVar:

ClinVar aggregate classification (germline): Uncertain significance. Review status: criteria provided, multiple submitters, no conflicts (2 of 4 stars). 3 submissions from 3 submitters: Uncertain significance (2). 1 of the submissions does not count toward it. Last evaluated 2025-06-09.

Conditions:
Hereditary cancer-predisposing syndrome. Also called: Hereditary Cancer Syndrome; Tumor predisposition; Neoplastic Syndromes, Hereditary; Hereditary neoplastic syndrome. Identifiers: Orphanet 140162, MedGen C0027672, MeSH D009386, MONDO:0015356.
Bloom syndrome (BLM). Also called: Bloom-Torre-Machacek syndrome. Identifiers: Orphanet 125, MedGen C0005859, MONDO:0008876, OMIM 210900.

Submissions (3):

Labcorp Genetics (formerly Invitae), Labcorp
Classification: Uncertain significance for Bloom syndrome. Last evaluated: 2025-06-09. Review status: criteria provided, single submitter. Criteria: Invitae Variant Classification Sherloc (09022015). Collection method: clinical testing. Allele origin: germline.
Comment: This sequence change replaces lysine, which is basic and polar, with glutamic acid, which is acidic and polar, at codon 187 of the BLM protein (p.Lys187Glu). This variant is not present in population databases (gnomAD no frequency). This variant has not been reported in the literature in individuals affected with BLM-related conditions. ClinVar contains an entry for this variant (Variation ID: 1013700). An algorithm developed to predict the effect of missense changes on protein structure and function (PolyPhen-2) suggests that this variant is likely to be tolerated. In summary, the available evidence is currently insufficient to determine the role of this variant in disease. Therefore, it has been classified as a Variant of Uncertain Significance.

Ambry Genetics
Classification: Uncertain significance for Hereditary cancer-predisposing syndrome. Last evaluated: 2024-03-08. Review status: criteria provided, single submitter. Criteria: Ambry Variant Classification Scheme 2023. Collection method: clinical testing. Allele origin: germline.
Comment: The p.K187E variant (also known as c.559A>G), located in coding exon 2 of the BLM gene, results from an A to G substitution at nucleotide position 559. The lysine at codon 187 is replaced by glutamic acid, an amino acid with similar properties. This amino acid position is well conserved in available vertebrate species. In addition, this alteration is predicted to be tolerated by in silico analysis. Since supporting evidence is limited at this time, the clinical significance of this alteration remains unclear.

Natera, Inc.
Classification: Uncertain significance for Bloom syndrome. Last evaluated: 2020-10-29. Review status: no assertion criteria provided. Collection method: clinical testing. Allele origin: germline. Not counted in ClinVar's aggregate classification.

NM_000057.4(BLM):c.559A>G (p.Lys187Glu)

Gene: BLM (BLM RecQ like helicase; plus strand). Cytogenetic location: 15q26.1.
Variant type: single nucleotide variant.
Coding change: c.559A>G on transcript NM_000057.4 (MANE Select); coding-DNA position 559, A replaced by G.
Protein change: p.Lys187Glu; replaces lysine 187 with glutamic acid.
Molecular consequence: missense variant. On other transcripts: 5 prime UTR variant (1).
Genome position (GRCh38, 1-based): chr15:90,749,827, A>G. VCF-style: chr15-90749827-A-G. GRCh37 (hg19) VCF-style: chr15-91293057-A-G.
Other names: c.559A>G, p.Lys187Glu (NM_001287246.2, NM_001287247.2); c.-733A>G (NM_001287248.2); c.559A>G (NM_000057.2); short protein forms K187E.
Identifiers: ClinVar variation 1013700 (VCV001013700.10), dbSNP rs1895625606, ClinGen allele CA393841049.
Genomic context (GRCh38, chr15:90,749,827, plus strand): 5'-AAATCATTTGTTACACCACCCCAAAGTCACTTTGTAAGAGTAAGCACTGCTCAGAAATCA[A>G]AAAAGGGTAAGAGAAACTTTTTTAAAGCACAGCTTTATACAACAAACACAGTAAAGACTG-3'
Protein context (NP_000048.1, residues 177-197): FVRVSTAQKS[Lys187Glu]KGKRNFFKAQ